The following is an entry in ClinVar:

NM_206933.4(USH2A):c.6271T>A (p.Tyr2091Asn)

Gene: USH2A (usherin; minus strand). Cytogenetic location: 1q41.
Variant type: single nucleotide variant.
Coding change: c.6271T>A on transcript NM_206933.4 (MANE Select); coding-DNA position 6271, T replaced by A.
Protein change: p.Tyr2091Asn; replaces tyrosine 2091 with asparagine.
Molecular consequence: missense variant.
Genome position (GRCh38, 1-based): chr1:216,046,485, A>T on the plus strand (T>A on the coding strand, the complement: USH2A is on the minus strand). VCF-style: chr1-216046485-A-T. GRCh37 (hg19) VCF-style: chr1-216219827-A-T.
Other names: short protein forms Y2091N.
Identifiers: ClinVar variation 2122785 (VCV002122785.4), dbSNP rs2527720280, ClinGen allele CA344858789.

ClinVar aggregate classification (germline): Uncertain significance (1 of 4 stars; one submission).

Submission:

Labcorp Genetics (formerly Invitae), Labcorp
Classification: Uncertain significance. Last evaluated: 2024-02-24. Review status: criteria provided, single submitter. Criteria: Invitae Variant Classification Sherloc (09022015). Collection method: clinical testing. Allele origin: germline.
Comment: This sequence change replaces tyrosine, which is neutral and polar, with asparagine, which is neutral and polar, at codon 2091 of the USH2A protein (p.Tyr2091Asn). This variant is not present in population databases (gnomAD no frequency). This variant has not been reported in the literature in individuals affected with USH2A-related conditions. ClinVar contains an entry for this variant (Variation ID: 2122785). Advanced modeling of protein sequence and biophysical properties (such as structural, functional, and spatial information, amino acid conservation, physicochemical variation, residue mobility, and thermodynamic stability) has been performed at Invitae for this missense variant, however the output from this modeling did not meet the statistical confidence thresholds required to predict the impact of this variant on USH2A protein function. In summary, the available evidence is currently insufficient to determine the role of this variant in disease. Therefore, it has been classified as a Variant of Uncertain Significance.